The following is an entry in ClinVar:

NM_024640.4(YRDC):c.729G>A (p.Leu243=)

Gene: YRDC (yrdC N6-threonylcarbamoyltransferase domain containing; minus strand). Cytogenetic location: 1p34.3.
Variant type: single nucleotide variant.
Coding change: c.729G>A on transcript NM_024640.4 (MANE Select); coding-DNA position 729, G replaced by A.
Protein change: p.Leu243=; no amino-acid change (leucine 243 retained).
Molecular consequence: synonymous variant.
Genome position (GRCh38, 1-based): chr1:37,804,340, C>T on the plus strand (G>A on the coding strand, the complement: YRDC is on the minus strand). VCF-style: chr1-37804340-C-T. GRCh37 (hg19) VCF-style: chr1-38270012-C-T.
Identifiers: ClinVar variation 3050897 (VCV003050897.4), dbSNP rs112627355, ClinGen allele CA774729.
Genomic context (GRCh38, chr1:37,804,340, plus strand): 5'-ACACCACAGGAAAGAGACTTACCAGCCTGGACGAATGATGCCAAACTTTCCGGGCACAGA[C>T]AAATCAACCACAGTTGAGCCAAGGCGACACTCGGGGCTCTGGCCATCCCCAATTTGTCCC-3'
Protein context (NP_078916.3, residues 233-253): ECRLGSTVVD[Leu243=]SVPGKFGIIR

ClinVar aggregate classification (germline): Likely benign. Review status: criteria provided, single submitter (1 of 4 stars). 2 submissions from 2 submitters: Likely benign (1). 1 of the submissions does not count toward it. Last evaluated 2025-07-28.

Conditions:
YRDC-related disorder. Also called: YRDC-related condition.

Allele frequency attached by ClinVar (database versions not stated): ESP Exome Variant Server 0.00008; 1000 Genomes Project 0.00100; ExAC 0.00016; 1000 Genomes Project 30x 0.00078; gnomAD 0.00017.
gnomAD v4.1: 154 of 1,614,164 alleles (0.0095%); highest among the groups gnomAD compares: Middle Eastern, 0.13%; no homozygotes.

Submissions (2):

Labcorp Genetics (formerly Invitae), Labcorp
Classification: Likely benign. Last evaluated: 2025-07-28. Review status: criteria provided, single submitter. Criteria: Invitae Variant Classification Sherloc (09022015). Collection method: clinical testing. Allele origin: germline.

PreventionGenetics, part of Exact Sciences
Classification: Likely benign for YRDC-related condition. Last evaluated: 2020-01-31. Review status: no assertion criteria provided. Collection method: clinical testing. Allele origin: germline. Not counted in ClinVar's aggregate classification.
Comment: This variant is classified as likely benign based on ACMG/AMP sequence variant interpretation guidelines (Richards et al. 2015 PMID: 25741868, with internal and published modifications).